The following is an entry in ClinVar:

ClinVar aggregate classification (germline): Uncertain significance (1 of 4 stars; one submission).

Conditions:
Hereditary cancer-predisposing syndrome. Also called: Neoplastic Syndromes, Hereditary; Tumor predisposition; Hereditary Cancer Syndrome; Hereditary neoplastic syndrome. Identifiers: Orphanet 140162, MedGen C0027672, MeSH D009386, MONDO:0015356.

Submission:

Ambry Genetics
Classification: Uncertain significance for Hereditary cancer-predisposing syndrome. Last evaluated: 2025-10-28. Review status: criteria provided, single submitter. Criteria: Ambry Variant Classification Scheme 2023. Collection method: clinical testing. Allele origin: germline.
Comment: The c.759-1G>A intronic variant results from a G to A substitution one nucleotide before coding exon 6 of the POLD1 gene. This nucleotide position is highly conserved in available vertebrate species. In silico splice site analysis predicts that this alteration will weaken the native splice acceptor site. Alterations that disrupt the canonical splice site are expected to cause aberrant splicing, resulting in an abnormal protein or a transcript that is subject to nonsense-mediated mRNA decay. However, loss of function has not been established as a mechanism of disease. Based on the available evidence, the clinical significance of this alteration remains unclear.

NM_002691.4(POLD1):c.759-1G>A

Gene: POLD1 (DNA polymerase delta 1, catalytic subunit; plus strand). Cytogenetic location: 19q13.33.
Variant type: single nucleotide variant.
Coding change: c.759-1G>A on transcript NM_002691.4 (MANE Select); the canonical splice acceptor site of the intron before coding-DNA position 759, G replaced by A.
Molecular consequence: splice acceptor variant.
Genome position (GRCh38, 1-based): chr19:50,402,453, G>A. VCF-style: chr19-50402453-G-A. GRCh37 (hg19) VCF-style: chr19-50905710-G-A.
Other names: c.759-1G>A (NM_001256849.1, NM_001438212.1, NM_001438213.1 and 3 more transcripts).
Identifiers: ClinVar variation 4668339 (VCV004668339.1).